The following is an entry in ClinVar:

NM_138420.4(AHNAK2):c.6674C>A (p.Pro2225His)

Gene: AHNAK2 (AHNAK nucleoprotein 2; minus strand). Cytogenetic location: 14q32.33.
Variant type: single nucleotide variant.
Coding change: c.6674C>A on transcript NM_138420.4 (MANE Select); coding-DNA position 6674, C replaced by A.
Protein change: p.Pro2225His; replaces proline 2225 with histidine.
Molecular consequence: missense variant.
Genome position (GRCh38, 1-based): chr14:104,948,777, G>T on the plus strand (C>A on the coding strand, the complement: AHNAK2 is on the minus strand). VCF-style: chr14-104948777-G-T. GRCh37 (hg19) VCF-style: chr14-105415114-G-T.
Other names: c.6674C>A (NM_138420.2); c.6374C>A, p.Pro2125His (NM_001350929.2); short protein forms P2125H, P2225H.
Identifiers: ClinVar variation 2644734 (VCV002644734.25), dbSNP rs200759380, ClinGen allele CA7380984.
Genomic context (GRCh38, chr14:104,948,777, plus strand): 5'-TTGAAACTGGGCATCTGCAGCTTGGGCAGGTGCCCTTTGAGGCCGACTTCCTCGGGCACA[G>T]GGCCCTCCAGGAGTTTCACGTCCACCTGGCCAGCCTGGACCTTCACGTCGGCGGAAAGGG-3'
Protein context (NP_612429.2, residues 2215-2235): GQVDVKLLEG[Pro2225His]VPEEVGLKGH

ClinVar aggregate classification (germline): Likely benign. Review status: criteria provided, multiple submitters, no conflicts (2 of 4 stars). 2 submissions from 2 submitters: Likely benign (2). Last evaluated 2025-08-04.

Allele frequency attached by ClinVar (database versions not stated): ExAC 0.00035; gnomAD exomes 0.00041; 1000 Genomes Project 0.00559.

Submissions (2):

Ambry Genetics
Classification: Likely benign. Last evaluated: 2025-08-04. Review status: criteria provided, single submitter. Criteria: Ambry Variant Classification Scheme 2023. Collection method: clinical testing. Allele origin: germline.

CeGaT Center for Human Genetics Tuebingen
Classification: Likely benign. Last evaluated: 2025-07-01. Review status: criteria provided, single submitter. Criteria: CeGaT Center For Human Genetics Tuebingen Variant Classification Criteria Version 2. Collection method: clinical testing. Allele origin: germline. Affected: yes. Observed: 4 variant alleles.
Comment: AHNAK2: BP4, BS1